The following is an entry in ClinVar:

ClinVar aggregate classification (germline): Likely benign (1 of 4 stars; one submission).

Conditions:
UNC45A-related disorder. Also called: UNC45A-related condition.

Submission:

PreventionGenetics, part of Exact Sciences
Classification: Likely benign for UNC45A-related condition. Last evaluated: 2024-11-09. Review status: criteria provided, single submitter. Criteria: ACMG Guidelines, 2015. Collection method: clinical testing. Allele origin: germline.
Comment: This variant is classified as likely benign based on ACMG/AMP sequence variant interpretation guidelines (Richards et al. 2015 PMID: 25741868, with internal and published modifications).

NM_018671.5(UNC45A):c.857-13TTG[2]

Gene: UNC45A (unc-45 myosin chaperone A; plus strand). Cytogenetic location: 15q26.1.
Variant type: Microsatellite.
Coding change: c.857-13TTG[2] on transcript NM_018671.5 (MANE Select); two copies in a row of the 3-base unit TTG starting at c.857-13; the reference has three copies in a row; one copy, 3 bases deleted.
Molecular consequence: intron variant.
Genome position (GRCh38, 1-based): chr15:90,942,905-90,942,907, TTG deleted; deleting any 3 consecutive bases within chr15:90,942,899-90,942,907 gives the same sequence; the position shown is the placement nearest the transcript's 3' end. VCF-style (leftmost placement, unchanged base first): chr15-90942898-CTTG-C. GRCh37 (hg19) VCF-style: chr15-91486128-CTTG-C.
Other names: c.812-13TTG[2] (NM_001039675.2, NM_001323621.2); c.857-13TTG[2] (NM_001323619.1); c.422-13TTG[2] (NM_001323620.2); c.857-7_857-5delTTG (NM_001323619.1).
Identifiers: ClinVar variation 5000052 (VCV005000052.1).